The following is an entry in ClinVar:

NM_170606.3(KMT2C):c.10180dup (p.Ser3394fs)

Gene: KMT2C (lysine methyltransferase 2C; minus strand). Cytogenetic location: 7q36.1.
Variant type: Duplication.
Coding change: c.10180dup on transcript NM_170606.3 (MANE Select); coding-DNA position 10180, one base duplicated (A; older notation c.10180dupA).
Protein change: p.Ser3394fs; shifts the reading frame from serine 3394.
Molecular consequence: frameshift variant.
Genome position (GRCh38, 1-based): chr7:152,163,397, T duplicated on the plus strand (A on the coding strand, the reverse complement: KMT2C is on the minus strand); the first of 3 consecutive T bases (chr7:152,163,397-152,163,399); duplicating any one gives the same sequence. VCF-style (leftmost placement, unchanged base first): chr7-152163396-C-CT. GRCh37 (hg19) VCF-style: chr7-151860481-C-CT.
Other names: short protein forms S3394fs.
Identifiers: ClinVar variation 4623096 (VCV004623096.1).

ClinVar aggregate classification (germline): Pathogenic (1 of 4 stars; one submission).

Conditions:
Inborn genetic diseases. Identifiers: MedGen C0950123, MeSH D030342.

Submission:

Ambry Genetics
Classification: Pathogenic for Inborn genetic diseases. Last evaluated: 2025-10-01. Review status: criteria provided, single submitter. Criteria: Ambry Variant Classification Scheme 2023. Collection method: clinical testing. Allele origin: germline.
Comment: The c.10180dupA (p.S3394Kfs*8) alteration, located in exon 43 (coding exon 43) of the KMT2C gene, consists of a duplication of A at position 10180, causing a translational frameshift with a predicted alternate stop codon after 8 amino acids. This alteration is expected to result in loss of function by premature protein truncation or nonsense-mediated mRNA decay. This variant was not reported in population-based cohorts in the Genome Aggregation Database (gnomAD). Based on the available evidence, this alteration is classified as pathogenic.